The following is an entry in ClinVar:

NM_001077415.3(CRELD1):c.498C>T (p.Tyr166=)

Gene: CRELD1 (CRELD disulfide isomerase 1; plus strand). Cytogenetic location: 3p25.3.
Variant type: single nucleotide variant.
Coding change: c.498C>T on transcript NM_001077415.3 (MANE Select); coding-DNA position 498, C replaced by T.
Protein change: p.Tyr166=; no amino-acid change (tyrosine 166 retained).
Molecular consequence: synonymous variant. On other transcripts: non-coding transcript variant (3).
Genome position (GRCh38, 1-based): chr3:9,940,887, C>T. VCF-style: chr3-9940887-C-T. GRCh37 (hg19) VCF-style: chr3-9982571-C-T.
Other names: c.498C>T (NM_015513.4); c.498C>T, p.Tyr166= (NM_001031717.4, NM_001374316.1, NM_001374317.1 and 4 more transcripts).
Identifiers: ClinVar variation 197827 (VCV000197827.27), dbSNP rs146437600, ClinGen allele CA203110.

ClinVar aggregate classification (germline): Benign/Likely benign. Review status: criteria provided, multiple submitters, no conflicts (2 of 4 stars). 4 submissions from 4 submitters: Benign (1); Likely benign (2). 1 of the submissions does not count toward it. Last evaluated 2025-09-27.

Conditions:
Atrioventricular septal defect, susceptibility to, 2. Identifiers: MedGen C1853508, MONDO:0011650, OMIM 606217.
CRELD1-related disorder. Also called: CRELD1-related condition.

Allele frequency attached by ClinVar (database versions not stated): gnomAD exomes 0.00016 and 0.00040; 1000 Genomes Project 30x 0.00031; 1000 Genomes Project 0.00040; ExAC 0.00046; gnomAD 0.00121 and 0.00132; TOPMed 0.00141; ESP Exome Variant Server 0.00146.
gnomAD v4.1: 438 of 1,613,664 alleles (0.027%); highest among the groups gnomAD compares: African/African-American, 0.48%; 3 homozygotes.

Submissions (4):

Labcorp Genetics (formerly Invitae), Labcorp
Classification: Benign for Atrioventricular septal defect, susceptibility to, 2. Last evaluated: 2025-09-27. Review status: criteria provided, single submitter. Criteria: Invitae Variant Classification Sherloc (09022015). Collection method: clinical testing. Allele origin: germline.

CeGaT Center for Human Genetics Tuebingen
Classification: Likely benign. Last evaluated: 2024-12-01. Review status: criteria provided, single submitter. Criteria: CeGaT Center For Human Genetics Tuebingen Variant Classification Criteria Version 2. Collection method: clinical testing. Allele origin: germline. Affected: yes. Observed: 1 variant allele.
Comment: CRELD1: BP4, BP7

Eurofins Ntd Llc (ga)
Classification: Likely benign. Last evaluated: 2015-04-21. Review status: criteria provided, single submitter. Criteria: EGL Classification Definitions 2015. Collection method: clinical testing. Allele origin: germline. Observed: 1 variant allele, 1 heterozygote.

PreventionGenetics, part of Exact Sciences
Classification: Likely benign for CRELD1-related condition. Last evaluated: 2024-02-16. Review status: no assertion criteria provided. Collection method: clinical testing. Allele origin: germline. Not counted in ClinVar's aggregate classification.
Comment: This variant is classified as likely benign based on ACMG/AMP sequence variant interpretation guidelines (Richards et al. 2015 PMID: 25741868, with internal and published modifications).